The following is an entry in ClinVar:

ClinVar aggregate classification (germline): Uncertain significance (1 of 4 stars; one submission).

Allele frequency attached by ClinVar (database versions not stated): gnomAD exomes 0.00001; ExAC 0.00002; gnomAD 0.00002; TOPMed 0.00002; ESP Exome Variant Server 0.00008.
gnomAD v4.1: 23 of 1,614,008 alleles (0.0014%); highest among the groups gnomAD compares: Non-Finnish European, 0.0017%; no homozygotes.

Submission:

Labcorp Genetics (formerly Invitae), Labcorp
Classification: Uncertain significance. Last evaluated: 2021-08-07. Review status: criteria provided, single submitter. Criteria: Invitae Variant Classification Sherloc (09022015). Collection method: clinical testing. Allele origin: germline.
Comment: This sequence change replaces phenylalanine with leucine at codon 573 of the DYM protein (p.Phe573Leu). The phenylalanine residue is highly conserved and there is a small physicochemical difference between phenylalanine and leucine. This variant is present in population databases (rs371724364, ExAC 0.003%). This variant has not been reported in the literature in individuals affected with DYM-related conditions. Algorithms developed to predict the effect of missense changes on protein structure and function are either unavailable or do not agree on the potential impact of this missense change (SIFT: "Deleterious"; PolyPhen-2: "Probably Damaging"; Align-GVGD: "Class C0"). In summary, the available evidence is currently insufficient to determine the role of this variant in disease. Therefore, it has been classified as a Variant of Uncertain Significance.

NM_001353214.3(DYM):c.1884T>G (p.Phe628Leu)

Gene: DYM (dymeclin; minus strand). Cytogenetic location: 18q21.1.
Variant type: single nucleotide variant.
Coding change: c.1884T>G on transcript NM_001353214.3 (MANE Select); coding-DNA position 1884, T replaced by G.
Protein change: p.Phe628Leu; replaces phenylalanine 628 with leucine.
Molecular consequence: missense variant. On other transcripts: intron variant (5).
Genome position (GRCh38, 1-based): chr18:49,118,771, A>C on the plus strand (T>G on the coding strand, the complement: DYM is on the minus strand). VCF-style: chr18-49118771-A-C. GRCh37 (hg19) VCF-style: chr18-46645141-A-C.
Other names: c.1716T>G, p.Phe572Leu (NM_001353210.3, NM_001353211.3, NM_001374435.1); c.1881T>G, p.Phe627Leu (NM_001353212.3, NM_001353213.3); c.1884T>G, p.Phe628Leu (NM_001374428.1, NM_001374430.1, NM_001374431.1); c.1878T>G, p.Phe626Leu (NM_001374429.1); c.1758T>G, p.Phe586Leu (NM_001374432.1); c.1719T>G, p.Phe573Leu (NM_001374433.1, NM_001374434.1, NM_017653.6); c.1593T>G, p.Phe531Leu (NM_001374436.1); c.1536T>G, p.Phe512Leu (NM_001374437.1); and 9 more; short protein forms F512L, F586L, F438L, F497L, F626L, F573L, F627L, F382L.
Identifiers: ClinVar variation 1402164 (VCV001402164.3), dbSNP rs371724364, ClinGen allele CA8958000.